The following is an entry in ClinVar:

NM_020812.4(DOCK6):c.2702G>A (p.Arg901His)

Gene: DOCK6 (dedicator of cytokinesis 6; minus strand). Cytogenetic location: 19p13.2.
Variant type: single nucleotide variant.
Coding change: c.2702G>A on transcript NM_020812.4 (MANE Select); coding-DNA position 2702, G replaced by A.
Protein change: p.Arg901His; replaces arginine 901 with histidine.
Molecular consequence: missense variant.
Genome position (GRCh38, 1-based): chr19:11,233,219, C>T on the plus strand (G>A on the coding strand, the complement: DOCK6 is on the minus strand). VCF-style: chr19-11233219-C-T. GRCh37 (hg19) VCF-style: chr19-11343895-C-T.
Other names: c.2702G>A (NM_020812.2); c.2702G>A, p.Arg901His (NM_001367830.1); short protein forms R901H.
Identifiers: ClinVar variation 2072178 (VCV002072178.3), dbSNP rs757970053, ClinGen allele CA9207538.
Genomic context (GRCh38, chr19:11,233,219, plus strand): 5'-CACAACCACTGAGGCTGGAGATTCCAGGGCCCCCGTTGCCCTACCTTGCTGGCCAGGATG[C>T]GGGAAACCTCGTCATCCACAGAGCCAGGGGCCACGGCGAGGTCAGGGTTGCTGCTGCTGA-3'
Protein context (NP_065863.2, residues 891-911): APGSVDDEVS[Arg901His]ILASKLLHEE

ClinVar aggregate classification (germline): Uncertain significance. Review status: criteria provided, multiple submitters, no conflicts (2 of 4 stars). 2 submissions from 2 submitters: Uncertain significance (2). Last evaluated 2025-12-10.

Conditions:
Inborn genetic diseases. Identifiers: MedGen C0950123, MeSH D030342.

Allele frequency attached by ClinVar (database versions not stated): TOPMed 0.00014; gnomAD 0.00015.
gnomAD v4.1: 50 of 1,613,308 alleles (0.0031%); highest among the groups gnomAD compares: African/African-American, 0.047%; no homozygotes.

Submissions (2):

Ambry Genetics
Classification: Uncertain significance for Inborn genetic diseases. Last evaluated: 2025-12-10. Review status: criteria provided, single submitter. Criteria: Ambry Variant Classification Scheme 2023. Collection method: clinical testing. Allele origin: germline.

Labcorp Genetics (formerly Invitae), Labcorp
Classification: Uncertain significance. Last evaluated: 2022-10-24. Review status: criteria provided, single submitter. Criteria: Invitae Variant Classification Sherloc (09022015). Collection method: clinical testing. Allele origin: germline.
Comment: This sequence change replaces arginine, which is basic and polar, with histidine, which is basic and polar, at codon 901 of the DOCK6 protein (p.Arg901His). This variant is present in population databases (rs757970053, gnomAD 0.05%). This variant has not been reported in the literature in individuals affected with DOCK6-related conditions. Advanced modeling of protein sequence and biophysical properties (such as structural, functional, and spatial information, amino acid conservation, physicochemical variation, residue mobility, and thermodynamic stability) performed at Invitae indicates that this missense variant is not expected to disrupt DOCK6 protein function. In summary, the available evidence is currently insufficient to determine the role of this variant in disease. Therefore, it has been classified as a Variant of Uncertain Significance.